The following is an entry in ClinVar:

ClinVar aggregate classification (germline): Uncertain significance (1 of 4 stars; one submission).

Allele frequency attached by ClinVar (database versions not stated): gnomAD exomes below 0.00001.
gnomAD v4.1: 1 of 1,614,120 alleles (0.000062%); highest among the groups gnomAD compares: Non-Finnish European, 0.000085%; no homozygotes.

Submission:

Labcorp Genetics (formerly Invitae), Labcorp
Classification: Uncertain significance. Last evaluated: 2023-10-04. Review status: criteria provided, single submitter. Criteria: Invitae Variant Classification Sherloc (09022015). Collection method: clinical testing. Allele origin: germline.
Comment: This sequence change replaces lysine, which is basic and polar, with glutamine, which is neutral and polar, at codon 688 of the HYOU1 protein (p.Lys688Gln). This variant is present in population databases (rs782387110, gnomAD 0.0009%). This variant has not been reported in the literature in individuals affected with HYOU1-related conditions. An algorithm developed to predict the effect of missense changes on protein structure and function (PolyPhen-2) suggests that this variant is likely to be tolerated. In summary, the available evidence is currently insufficient to determine the role of this variant in disease. Therefore, it has been classified as a Variant of Uncertain Significance.

NM_006389.5(HYOU1):c.2062A>C (p.Lys688Gln)

Gene: HYOU1 (hypoxia up-regulated 1; minus strand). Cytogenetic location: 11q23.3.
Variant type: single nucleotide variant.
Coding change: c.2062A>C on transcript NM_006389.5 (MANE Select); coding-DNA position 2062, A replaced by C.
Protein change: p.Lys688Gln; replaces lysine 688 with glutamine.
Molecular consequence: missense variant.
Genome position (GRCh38, 1-based): chr11:119,048,817, T>G on the plus strand (A>C on the coding strand, the complement: HYOU1 is on the minus strand). VCF-style: chr11-119048817-T-G. GRCh37 (hg19) VCF-style: chr11-118919529-T-G.
Other names: c.2062A>C, p.Lys688Gln (NM_001130991.3, NM_001411041.1); short protein forms K688Q.
Identifiers: ClinVar variation 3011817 (VCV003011817.3), dbSNP rs782387110, ClinGen allele CA229619302.
Genomic context (GRCh38, chr11:119,048,817, plus strand): 5'-GGTCCAGAACAACCAGCTCCACCCCGATCTCCTCTACCATTCGCCGCTTCCTGGCGGGCT[T>G]CTGCTTCTTCTCTCCCTCTGGGGCTGGAGCGACGCCCTCAGGCCCTGCCTCTGCCTTCTC-3'
Protein context (NP_006380.1, residues 678-698): APAPEGEKKQ[Lys688Gln]PARKRRMVEE